The following is an entry in ClinVar:

NM_004329.3(BMPR1A):c.247T>C (p.Phe83Leu)

Gene: BMPR1A (bone morphogenetic protein receptor type 1A; plus strand). Cytogenetic location: 10q23.2.
Variant type: single nucleotide variant.
Coding change: c.247T>C on transcript NM_004329.3 (MANE Select); coding-DNA position 247, T replaced by C.
Protein change: p.Phe83Leu; replaces phenylalanine 83 with leucine.
Molecular consequence: missense variant. On other transcripts: non-coding transcript variant (3).
Genome position (GRCh38, 1-based): chr10:86,892,143, T>C. VCF-style: chr10-86892143-T-C. GRCh37 (hg19) VCF-style: chr10-88651900-T-C.
Other names: c.247T>C, p.Phe83Leu (NM_001406559.1, NM_001406560.1, NM_001406561.1 and 23 more transcripts); c.163T>C, p.Phe55Leu (NM_001406584.1, NM_001406585.1, NM_001406586.1 and 2 more transcripts); short protein forms F55L, F83L.
Identifiers: ClinVar variation 2714674 (VCV002714674.3), dbSNP rs2539445252, ClinGen allele CA377447966.

ClinVar aggregate classification (germline): Uncertain significance (1 of 4 stars; one submission).

Conditions:
Juvenile polyposis syndrome (JPS). Identifiers: Orphanet 2929, MedGen C0345893, MONDO:0017380, OMIM 174900.

Submission:

Labcorp Genetics (formerly Invitae), Labcorp
Classification: Uncertain significance for Juvenile polyposis syndrome. Last evaluated: 2024-02-01. Review status: criteria provided, single submitter. Criteria: Invitae Variant Classification Sherloc (09022015). Collection method: clinical testing. Allele origin: germline.
Comment: This sequence change replaces phenylalanine, which is neutral and non-polar, with leucine, which is neutral and non-polar, at codon 83 of the BMPR1A protein (p.Phe83Leu). This variant is not present in population databases (gnomAD no frequency). This variant has not been reported in the literature in individuals affected with BMPR1A-related conditions. Advanced modeling of protein sequence and biophysical properties (such as structural, functional, and spatial information, amino acid conservation, physicochemical variation, residue mobility, and thermodynamic stability) performed at Invitae indicates that this missense variant is not expected to disrupt BMPR1A protein function with a negative predictive value of 95%. In summary, the available evidence is currently insufficient to determine the role of this variant in disease. Therefore, it has been classified as a Variant of Uncertain Significance.